The following is an entry in ClinVar:

ClinVar aggregate classification (germline): Conflicting classifications of pathogenicity. Review status: criteria provided, conflicting classifications (1 of 4 stars). 2 submissions from 2 submitters: Likely pathogenic (1); Uncertain significance (1). Last evaluated 2026-07-31.

Conditions:
Developmental and epileptic encephalopathy, 27 (DEE27). Also called: GRIN2B-Related Neurodevelopmental Disorder; Epileptic encephalopathy, early infantile, 27. Identifiers: Orphanet 3451, MedGen C4015316, MONDO:0014505, OMIM 616139.
Intellectual developmental disorder, autosomal dominant 6, with or without seizures. Also called: Intellectual disability, autosomal dominant 6; GRIN2B-related developmental delay, intellectual disability and autism spectrum disorder. Identifiers: Orphanet 589547, MedGen C3151411, MONDO:0013509, OMIM 613970.

Submissions (2):

MVZ Medizinische Genetik Mainz
Classification: Likely pathogenic for Intellectual developmental disorder, autosomal dominant 6, with or without seizures. Last evaluated: 2026-07-31. Review status: criteria provided, single submitter. Criteria: UK Practice Guidelines For Variant Classification V4 01 2020. Collection method: clinical testing. Allele origin: germline. Inheritance: Autosomal dominant inheritance. Observed: 1 variant allele.

Labcorp Genetics (formerly Invitae), Labcorp
Classification: Uncertain significance for Developmental and epileptic encephalopathy, 27; Intellectual developmental disorder, autosomal dominant 6, with or without seizures. Last evaluated: 2020-02-17. Review status: criteria provided, single submitter. Criteria: Invitae Variant Classification Sherloc (09022015). Collection method: clinical testing. Allele origin: germline.
Comment: Algorithms developed to predict the effect of missense changes on protein structure and function are either unavailable or do not agree on the potential impact of this missense change (SIFT: "Deleterious"; PolyPhen-2: "Probably Damaging"; Align-GVGD: "Class C0"). In summary, the available evidence is currently insufficient to determine the role of this variant in disease. Therefore, it has been classified as a Variant of Uncertain Significance. This variant has not been reported in the literature in individuals with GRIN2B-related conditions. This sequence change replaces arginine with cysteine at codon 774 of the GRIN2B protein (p.Arg774Cys). The arginine residue is moderately conserved and there is a large physicochemical difference between arginine and cysteine. This variant is not present in population databases (ExAC no frequency).

NM_000834.5(GRIN2B):c.2320C>T (p.Arg774Cys)

Gene: GRIN2B (glutamate ionotropic receptor NMDA type subunit 2B; minus strand). Cytogenetic location: 12p13.1.
Variant type: single nucleotide variant.
Coding change: c.2320C>T on transcript NM_000834.5 (MANE Select); coding-DNA position 2320, C replaced by T.
Protein change: p.Arg774Cys; replaces arginine 774 with cysteine.
Molecular consequence: missense variant.
Genome position (GRCh38, 1-based): chr12:13,569,869, G>A on the plus strand (C>T on the coding strand, the complement: GRIN2B is on the minus strand). VCF-style: chr12-13569869-G-A. GRCh37 (hg19) VCF-style: chr12-13722803-G-A.
Other names: short protein forms R774C.
Identifiers: ClinVar variation 1052025 (VCV001052025.14), dbSNP rs2136413178, ClinGen allele CA383998031.